The following is an entry in ClinVar:

NM_001267550.2(TTN):c.82912_82915del (p.Glu27638fs)

Genes: TTN-AS1 (TTN antisense RNA 1; plus strand), TTN (titin; minus strand). Cytogenetic location: 2q31.2.
Variant type: Deletion.
Coding change: c.82912_82915del on transcript NM_001267550.2 (MANE Select); coding-DNA positions 82912 to 82915, 4 bases deleted (GAAA; older notation c.82912_82915delGAAA).
Protein change: p.Glu27638fs; shifts the reading frame from glutamic acid 27638.
Molecular consequence: frameshift variant.
Genome position (GRCh38, 1-based): chr2:178,563,217-178,563,220, TTTC deleted on the plus strand (GAAA on the coding strand, the reverse complement: TTN is on the minus strand); deleting any 4 consecutive bases within chr2:178,563,217-178,563,223 gives the same sequence; the c. name uses the placement nearest the transcript's 3' end. VCF-style (leftmost placement, unchanged base first): chr2-178563216-TTTTC-T. GRCh37 (hg19) VCF-style: chr2-179427943-TTTTC-T.
Other names: c.77989_77992del, p.Glu25997fs (NM_001256850.1); c.55717_55720del, p.Glu18573fs (NM_003319.4); c.75208_75211del, p.Glu25070fs (NM_133378.4); c.56092_56095del, p.Glu18698fs (NM_133432.3); c.56293_56296del, p.Glu18765fs (NM_133437.4); short protein forms E18573fs, E18698fs, E18765fs, E25070fs, E25997fs, E27638fs.
Identifiers: ClinVar variation 2584541 (VCV002584541.1), dbSNP rs2468153767, ClinGen allele CA2582342027.

ClinVar aggregate classification (germline): Likely pathogenic (1 of 4 stars; one submission).

Conditions:
TTN-related disorder. Also called: TTN-related condition; TTN-related disease; TTN-related disorders.

Submission:

Rady Children's Institute for Genomic Medicine, Rady Children's Hospital San Diego
Classification: Likely pathogenic for TTN-Related Disorders. Review status: criteria provided, single submitter. Criteria: ACMG Guidelines, 2015. Collection method: clinical testing. Allele origin: germline. Affected: yes.
Comment: This frameshifting variant in exon 326 of 363 introduces a premature stop codon and is therefore predicted to result in loss of normal protein function through either protein truncation or nonsense-mediated mRNA decay (NMD). This variant has not been previously reported or functionally characterized in the literature to our knowledge. This variant occurs in the A-band of the titin protein, which is enriched for pathogenic truncating variants associated with dilated cardiomyopathy (PMID: 22335739; 31849696; 25589632). Loss-of-function variation in TTN is an established mechanism of disease (PMID: 22335739; 25589632). The c.82912_82915del (p.Glu27638ThrfsTer16) variant is absent from the gnomAD population database and thus is presumed to be rare. Based on the available evidence, the c.82912_82915del (p.Glu27638ThrfsTer16) variant is classified as Likely Pathogenic.